The following is an entry in ClinVar:

NM_015057.5(MYCBP2):c.5902G>A (p.Val1968Ile)

Gene: MYCBP2 (MYC binding protein 2; minus strand). Cytogenetic location: 13q22.3.
Variant type: single nucleotide variant.
Coding change: c.5902G>A on transcript NM_015057.5 (MANE Select); coding-DNA position 5902, G replaced by A.
Protein change: p.Val1968Ile; replaces valine 1968 with isoleucine.
Molecular consequence: missense variant.
Genome position (GRCh38, 1-based): chr13:77,168,640, C>T on the plus strand (G>A on the coding strand, the complement: MYCBP2 is on the minus strand). VCF-style: chr13-77168640-C-T. GRCh37 (hg19) VCF-style: chr13-77742775-C-T.
Other names: short protein forms V1968I.
Identifiers: ClinVar variation 4056848 (VCV004056848.1).

ClinVar aggregate classification (germline): Uncertain significance (1 of 4 stars; one submission).

gnomAD v4.1: 1 of 1,614,060 alleles (0.000062%); highest among the groups gnomAD compares: Non-Finnish European, 0.000085%; no homozygotes.

Submission:

GeneDx
Classification: Uncertain significance. Last evaluated: 2025-01-14. Review status: criteria provided, single submitter. Criteria: GeneDx Variant Classification Process June 2021. Collection method: clinical testing. Allele origin: germline. Affected: yes.
Comment: Not observed in large population cohorts (gnomAD); In silico analysis supports that this missense variant does not alter protein structure/function; Has not been previously published as pathogenic or benign to our knowledge